The following is an entry in ClinVar:

ClinVar aggregate classification (germline): Uncertain significance. Review status: criteria provided, single submitter (1 of 4 stars). 2 submissions from 2 submitters: Uncertain significance (1). 1 of the submissions does not count toward it. Last evaluated 2026-03-05.

Conditions:
Neurodevelopmental disorder. Identifiers: MedGen C1535926, MeSH D065886, MONDO:0700092.
PLXNA3-related disorder. Also called: PLXNA3-related condition.

Submissions (2):

Mendelics
Classification: Uncertain significance for Neurodevelopmental disorder. Last evaluated: 2026-03-05. Review status: criteria provided, single submitter. Criteria: ACMG Guidelines, 2015. Collection method: clinical testing. Allele origin: unknown.
Comment: The available evidence is insufficient to conclusively determine the role of this variant. Therefore, it is classified as a Variant of Uncertain Significance.

PreventionGenetics, part of Exact Sciences
Classification: Uncertain significance for PLXNA3-related condition. Last evaluated: 2024-05-01. Review status: no assertion criteria provided. Collection method: clinical testing. Allele origin: germline. Not counted in ClinVar's aggregate classification.
Comment: The PLXNA3 c.2327C>G variant is predicted to result in the amino acid substitution p.Pro776Arg. To our knowledge, this variant has not been reported in the literature or in a large population database, indicating this variant is rare. At this time, the clinical significance of this variant is uncertain due to the absence of conclusive functional and genetic evidence.

NM_017514.5(PLXNA3):c.2327C>G (p.Pro776Arg)

Gene: PLXNA3 (plexin A3; plus strand). Cytogenetic location: Xq28.
Variant type: single nucleotide variant.
Coding change: c.2327C>G on transcript NM_017514.5 (MANE Select); coding-DNA position 2327, C replaced by G.
Protein change: p.Pro776Arg; replaces proline 776 with arginine.
Molecular consequence: missense variant.
Genome position (GRCh38, 1-based): chrX:154,465,506, C>G. VCF-style: chrX-154465506-C-G. GRCh37 (hg19) VCF-style: chrX-153693849-C-G.
Other names: short protein forms P776R.
Identifiers: ClinVar variation 3356341 (VCV003356341.2).